The following is an entry in ClinVar:

NM_001378452.1(ITPR1):c.6155G>C (p.Cys2052Ser)

Gene: ITPR1 (inositol 1,4,5-trisphosphate receptor type 1; plus strand). Cytogenetic location: 3p26.1.
Variant type: single nucleotide variant.
Coding change: c.6155G>C on transcript NM_001378452.1 (MANE Select); coding-DNA position 6155, G replaced by C.
Protein change: p.Cys2052Ser; replaces cysteine 2052 with serine.
Molecular consequence: missense variant.
Genome position (GRCh38, 1-based): chr3:4,775,417, G>C. VCF-style: chr3-4775417-G-C. GRCh37 (hg19) VCF-style: chr3-4817101-G-C.
Other names: c.6011G>C, p.Cys2004Ser (NM_001099952.4); c.6110G>C, p.Cys2037Ser (NM_001168272.2); c.5966G>C, p.Cys1989Ser (NM_002222.7); c.5966G>C (NM_002222.5); short protein forms C2037S, C2004S, C1989S, C2052S.
Identifiers: ClinVar variation 447595 (VCV000447595.2), dbSNP rs1553740488, ClinGen allele CA351637388.
Genomic context (GRCh38, chr3:4,775,417, plus strand): 5'-ATATAAATGAAAAGAATGTAGCGCTTATCAACCAAACCCTGGAAAGTCTGACCGAATACT[G>C]TCAAGGACCTTGCCATGAGAACCAGGTAATTAAATTTCTGTTTTGGGATGGGGAAAAAAA-3'
Protein context (NP_001365381.1, residues 2042-2062): NQTLESLTEY[Cys2052Ser]QGPCHENQNC

ClinVar aggregate classification (germline): Uncertain significance. Review status: criteria provided, multiple submitters, no conflicts (2 of 4 stars). 2 submissions from 2 submitters: Uncertain significance (2). Last evaluated 2023-04-11.

Allele frequency attached by ClinVar (database versions not stated): gnomAD exomes below 0.00001.
gnomAD v4.1: 1 of 1,613,156 alleles (0.000062%); highest among the groups gnomAD compares: Non-Finnish European, 0.000085%; no homozygotes.

Submissions (2):

GeneDx
Classification: Uncertain significance. Last evaluated: 2023-04-11. Review status: criteria provided, single submitter. Criteria: GeneDx Variant Classification Process June 2021. Collection method: clinical testing. Allele origin: germline. Affected: yes.
Comment: Not observed at significant frequency in large population cohorts (gnomAD); In silico analysis supports that this missense variant has a deleterious effect on protein structure/function; Has not been previously published as pathogenic or benign to our knowledge

Athena Diagnostics
Classification: Uncertain significance. Last evaluated: 2017-03-03. Review status: criteria provided, single submitter. Criteria: Athena Diagnostics Criteria. Collection method: clinical testing. Allele origin: germline.